The following is an entry in ClinVar:

NM_012186.3(FOXE3):c.398C>T (p.Pro133Leu)

Genes: FOXE3 (forkhead box E3; plus strand), LINC01389 (long independently transcribed non-coding RNA 1389; minus strand). Cytogenetic location: 1p33.
Variant type: single nucleotide variant.
Coding change: c.398C>T on transcript NM_012186.3 (MANE Select); coding-DNA position 398, C replaced by T.
Protein change: p.Pro133Leu; replaces proline 133 with leucine.
Molecular consequence: missense variant.
Genome position (GRCh38, 1-based): chr1:47,416,713, C>T. VCF-style: chr1-47416713-C-T. GRCh37 (hg19) VCF-style: chr1-47882385-C-T.
Other names: short protein forms P133L.
Identifiers: ClinVar variation 2563303 (VCV002563303.4), dbSNP rs759971494, ClinGen allele CA842952.
Genomic context (GRCh38, chr1:47,416,713, plus strand): 5'-GCAAGTGGCAGAACAGCATCCGCCACAATCTCACGCTCAACGACTGCTTCGTCAAGGTGC[C>T]CCGCGAGCCGGGCAACCCGGGCAAGGGCAACTACTGGACGCTGGACCCCGCGGCCGCAGA-3'
Protein context (NP_036318.1, residues 123-143): LTLNDCFVKV[Pro133Leu]REPGNPGKGN

ClinVar aggregate classification (germline): Uncertain significance. Review status: criteria provided, multiple submitters, no conflicts (2 of 4 stars). 2 submissions from 2 submitters: Uncertain significance (2). Last evaluated 2025-11-26.

Conditions:
Cardiovascular phenotype. Identifiers: MedGen CN230736.
Congenital primary aphakia. Also called: ANTERIOR SEGMENT DYSGENESIS 2; Anterior segment dysgenesis 2, multiple subtypes. Identifiers: Orphanet 83461, MedGen C1853230, MONDO:0012456, OMIM 610256.
Anterior segment dysgenesis. Also called: Ocular anterior segment dysgenesis. Identifiers: Orphanet 88632, MedGen C1862839, MONDO:0019503, HP:0007700.

Allele frequency attached by ClinVar (database versions not stated): ExAC 0.00001; gnomAD 0.00001; gnomAD exomes 0.00001; TOPMed 0.00001.

Submissions (2):

Ambry Genetics
Classification: Uncertain significance for Cardiovascular phenotype. Last evaluated: 2025-11-26. Review status: criteria provided, single submitter. Criteria: Ambry Variant Classification Scheme 2023. Collection method: clinical testing. Allele origin: germline.

Labcorp Genetics (formerly Invitae), Labcorp
Classification: Uncertain significance for Anterior segment dysgenesis; Congenital primary aphakia. Last evaluated: 2025-04-11. Review status: criteria provided, single submitter. Criteria: Invitae Variant Classification Sherloc (09022015). Collection method: clinical testing. Allele origin: germline.
Comment: This sequence change replaces proline, which is neutral and non-polar, with leucine, which is neutral and non-polar, at codon 133 of the FOXE3 protein (p.Pro133Leu). This variant is present in population databases (rs759971494, gnomAD 0.002%). This variant has not been reported in the literature in individuals affected with FOXE3-related conditions. ClinVar contains an entry for this variant (Variation ID: 2563303). Invitae Evidence Modeling of protein sequence and biophysical properties (such as structural, functional, and spatial information, amino acid conservation, physicochemical variation, residue mobility, and thermodynamic stability) has been performed for this missense variant. However, the output from this modeling did not meet the statistical confidence thresholds required to predict the impact of this variant on FOXE3 protein function. In summary, the available evidence is currently insufficient to determine the role of this variant in disease. Therefore, it has been classified as a Variant of Uncertain Significance.